The following is an entry in ClinVar:

ClinVar aggregate classification (germline): Uncertain significance (1 of 4 stars; one submission).

Submission:

Labcorp Genetics (formerly Invitae), Labcorp
Classification: Uncertain significance. Last evaluated: 2022-07-11. Review status: criteria provided, single submitter. Criteria: Invitae Variant Classification Sherloc (09022015). Collection method: clinical testing. Allele origin: germline.
Comment: This sequence change replaces alanine, which is neutral and non-polar, with proline, which is neutral and non-polar, at codon 311 of the GRM6 protein (p.Ala311Pro). This variant is not present in population databases (gnomAD no frequency). This variant has not been reported in the literature in individuals affected with GRM6-related conditions. ClinVar contains an entry for this variant (Variation ID: 943059). Advanced modeling of protein sequence and biophysical properties (such as structural, functional, and spatial information, amino acid conservation, physicochemical variation, residue mobility, and thermodynamic stability) performed at Invitae indicates that this missense variant is not expected to disrupt GRM6 protein function. In summary, the available evidence is currently insufficient to determine the role of this variant in disease. Therefore, it has been classified as a Variant of Uncertain Significance.

NM_000843.4(GRM6):c.931G>C (p.Ala311Pro)

Gene: GRM6 (glutamate metabotropic receptor 6; minus strand). Cytogenetic location: 5q35.3.
Variant type: single nucleotide variant.
Coding change: c.931G>C on transcript NM_000843.4 (MANE Select); coding-DNA position 931, G replaced by C.
Protein change: p.Ala311Pro; replaces alanine 311 with proline.
Molecular consequence: missense variant.
Genome position (GRCh38, 1-based): chr5:178,990,673, C>G on the plus strand (G>C on the coding strand, the complement: GRM6 is on the minus strand). VCF-style: chr5-178990673-C-G. GRCh37 (hg19) VCF-style: chr5-178417674-C-G.
Other names: short protein forms A311P.
Identifiers: ClinVar variation 943059 (VCV000943059.9), dbSNP rs1760653488, ClinGen allele CA362432013.